The following is an entry in ClinVar:

NM_000321.3(RB1):c.1159A>T (p.Met387Leu)

Gene: RB1 (RB transcriptional corepressor 1; plus strand). Cytogenetic location: 13q14.2.
Variant type: single nucleotide variant.
Coding change: c.1159A>T on transcript NM_000321.3 (MANE Select); coding-DNA position 1159, A replaced by T.
Protein change: p.Met387Leu; replaces methionine 387 with leucine.
Molecular consequence: missense variant.
Genome position (GRCh38, 1-based): chr13:48,373,436, A>T. VCF-style: chr13-48373436-A-T. GRCh37 (hg19) VCF-style: chr13-48947572-A-T.
Other names: short protein forms M387L.
Identifiers: ClinVar variation 458118 (VCV000458118.11), dbSNP rs190689977, ClinGen allele CA027719.

ClinVar aggregate classification (germline): Uncertain significance. Review status: criteria provided, multiple submitters, no conflicts (2 of 4 stars). 2 submissions from 2 submitters: Uncertain significance (2). Last evaluated 2024-01-11.

Conditions:
Hereditary cancer-predisposing syndrome. Also called: Neoplastic Syndromes, Hereditary; Tumor predisposition; Hereditary Cancer Syndrome; Hereditary neoplastic syndrome. Identifiers: Orphanet 140162, MedGen C0027672, MeSH D009386, MONDO:0015356.
Retinoblastoma (RB1). Also called: RETINOBLASTOMA, SOMATIC. Identifiers: Orphanet 790, MedGen C0035335, MeSH D012175, MONDO:0008380, OMIM 180200, HP:0009919. Disease mechanism: loss of function. Inheritance: Both sporadic and heritable forms are tested..

Allele frequency attached by ClinVar (database versions not stated): gnomAD exomes below 0.00001; TOPMed below 0.00001; ExAC 0.00001; gnomAD 0.00001; 1000 Genomes Project 30x 0.00031; 1000 Genomes Project 0.00040.
gnomAD v4.1: 6 of 1,598,432 alleles (0.00038%); highest among the groups gnomAD compares: African/African-American, 0.008%; no homozygotes.

Submissions (2):

Ambry Genetics
Classification: Uncertain significance for Hereditary cancer-predisposing syndrome. Last evaluated: 2024-01-11. Review status: criteria provided, single submitter. Criteria: Ambry Variant Classification Scheme 2023. Collection method: clinical testing. Allele origin: germline.
Comment: The p.M387L variant (also known as c.1159A>T), located in coding exon 12 of the RB1 gene, results from an A to T substitution at nucleotide position 1159. The methionine at codon 387 is replaced by leucine, an amino acid with highly similar properties. This amino acid position is well conserved in available vertebrate species. In addition, this alteration is predicted to be tolerated by in silico analysis. Since supporting evidence is limited at this time, the clinical significance of this alteration remains unclear.

Labcorp Genetics (formerly Invitae), Labcorp
Classification: Uncertain significance for Retinoblastoma. Last evaluated: 2021-06-12. Review status: criteria provided, single submitter. Criteria: Invitae Variant Classification Sherloc (09022015). Collection method: clinical testing. Allele origin: germline.
Comment: In summary, this variant is a rare missense change that is not predicted to affect protein function. There is no indication that it causes disease, but the available evidence is currently insufficient to prove that conclusively. Therefore, it has been classified as a Variant of Uncertain Significance. Algorithms developed to predict the effect of missense changes on protein structure and function (SIFT, PolyPhen-2, Align-GVGD) all suggest that this variant is likely to be tolerated, but these predictions have not been confirmed by published functional studies. This variant is present in population databases (rs190689977, ExAC 0.01%) but has not been reported in the literature in individuals with a RB1-related disease. This sequence change replaces methionine with leucine at codon 387 of the RB1 protein (p.Met387Leu). The methionine residue is moderately conserved and there is a small physicochemical difference between methionine and leucine.